The following is an entry in ClinVar:

ClinVar aggregate classification (germline): Uncertain significance (1 of 4 stars; one submission).

Conditions:
Alstrom syndrome (ALMS). Identifiers: Orphanet 64, MedGen C0268425, MONDO:0008763, OMIM 203800.

Allele frequency attached by ClinVar (database versions not stated): gnomAD exomes below 0.00001; gnomAD 0.00001; TOPMed 0.00001.
gnomAD v4.1: 2 of 1,612,826 alleles (0.00012%); highest among the groups gnomAD compares: Non-Finnish European, 0.00017%; no homozygotes.

Submission:

Labcorp Genetics (formerly Invitae), Labcorp
Classification: Uncertain significance for Alstrom syndrome. Last evaluated: 2022-11-08. Review status: criteria provided, single submitter. Criteria: Invitae Variant Classification Sherloc (09022015). Collection method: clinical testing. Allele origin: germline.
Comment: In summary, the available evidence is currently insufficient to determine the role of this variant in disease. Therefore, it has been classified as a Variant of Uncertain Significance. Experimental studies and prediction algorithms are not available or were not evaluated, and the functional significance of this variant is currently unknown. ClinVar contains an entry for this variant (Variation ID: 1420652). This variant has not been reported in the literature in individuals affected with ALMS1-related conditions. This variant is not present in population databases (gnomAD no frequency). This sequence change replaces histidine with tyrosine at codon 2161 of the ALMS1 protein (p.His2161Tyr). The histidine residue is weakly conserved and there is a moderate physicochemical difference between histidine and tyrosine.

NM_001378454.1(ALMS1):c.6478C>T (p.His2160Tyr)

Gene: ALMS1 (ALMS1 centrosome and basal body associated protein; plus strand). Cytogenetic location: 2p13.1.
Variant type: single nucleotide variant.
Coding change: c.6478C>T on transcript NM_001378454.1 (MANE Select); coding-DNA position 6478, C replaced by T.
Protein change: p.His2160Tyr; replaces histidine 2160 with tyrosine.
Molecular consequence: missense variant.
Genome position (GRCh38, 1-based): chr2:73,453,005, C>T. VCF-style: chr2-73453005-C-T. GRCh37 (hg19) VCF-style: chr2-73680132-C-T.
Other names: c.6481C>T, p.His2161Tyr (NM_015120.4); short protein forms H2161Y, H2160Y.
Identifiers: ClinVar variation 1420652 (VCV001420652.6), dbSNP rs1479606549, ClinGen allele CA347287999.